The following is an entry in ClinVar:

NM_001018113.3(FANCB):c.507T>C (p.Ser169=)

Gene: FANCB (FA complementation group B; minus strand). Cytogenetic location: Xp22.2.
Variant type: single nucleotide variant.
Coding change: c.507T>C on transcript NM_001018113.3 (MANE Select); coding-DNA position 507, T replaced by C.
Protein change: p.Ser169=; no amino-acid change (serine 169 retained).
Molecular consequence: synonymous variant.
Genome position (GRCh38, 1-based): chrX:14,865,004, A>G on the plus strand (T>C on the coding strand, the complement: FANCB is on the minus strand). VCF-style: chrX-14865004-A-G. GRCh37 (hg19) VCF-style: chrX-14883126-A-G.
Other names: c.507T>C (NM_001018113.2); c.507T>C, p.Ser169= (NM_001324162.2, NM_152633.4).
Identifiers: ClinVar variation 246616 (VCV000246616.43), dbSNP rs149609970, ClinGen allele CA10353199.

ClinVar aggregate classification (germline): Benign/Likely benign. Review status: criteria provided, multiple submitters, no conflicts (2 of 4 stars). 6 submissions from 6 submitters: Benign (2); Likely benign (3). 1 of the submissions does not count toward it. Last evaluated 2026-02-01.

Conditions:
FANCB-related disorder. Also called: FANCB-related condition.
Fanconi anemia (FA). Also called: Fanconi's anemia. Identifiers: Orphanet 84, MedGen C0015625, MeSH D005199, MONDO:0019391.

Allele frequency attached by ClinVar (database versions not stated): ESP Exome Variant Server 0.00019; gnomAD 0.00019 and 0.00020; TOPMed 0.00022; gnomAD exomes 0.00037 and 0.00046; ExAC 0.00071.
gnomAD v4.1: 428 of 1,209,232 alleles (0.035%); highest among the groups gnomAD compares: Non-Finnish European, 0.044%; no homozygotes.

Submissions (6):

Labcorp Genetics (formerly Invitae), Labcorp
Classification: Benign for Fanconi anemia. Last evaluated: 2026-02-01. Review status: criteria provided, single submitter. Criteria: Invitae Variant Classification Sherloc (09022015). Collection method: clinical testing. Allele origin: germline.

Blueprint Genetics
Classification: Likely benign. Last evaluated: 2024-07-02. Review status: criteria provided, single submitter. Criteria: ACMG Guidelines, 2015. Collection method: clinical testing. Allele origin: germline.

CeGaT Center for Human Genetics Tuebingen
Classification: Likely benign. Last evaluated: 2023-08-01. Review status: criteria provided, single submitter. Criteria: CeGaT Center For Human Genetics Tuebingen Variant Classification Criteria Version 2. Collection method: clinical testing. Allele origin: germline. Affected: yes. Observed: 4 variant alleles.
Comment: FANCB: BP4, BP7, BS2

Institute for Clinical Genetics, University Hospital TU Dresden, University Hospital TU Dresden
Classification: Likely benign. Last evaluated: 2021-11-03. Review status: criteria provided, single submitter. Criteria: ACMG Guidelines, 2015. Collection method: clinical testing. Allele origin: germline.

Genetic Services Laboratory, University of Chicago
Classification: Benign. Last evaluated: 2019-02-15. Review status: criteria provided, single submitter. Criteria: ACMG Guidelines, 2015. Collection method: clinical testing. Allele origin: germline. Affected: no.

PreventionGenetics, part of Exact Sciences
Classification: Likely benign for FANCB-related condition. Last evaluated: 2024-05-20. Review status: no assertion criteria provided. Collection method: clinical testing. Allele origin: germline. Not counted in ClinVar's aggregate classification.
Comment: This variant is classified as likely benign based on ACMG/AMP sequence variant interpretation guidelines (Richards et al. 2015 PMID: 25741868, with internal and published modifications).